The following is an entry in ClinVar:

NM_001077365.2(POMT1):c.2110C>T (p.Leu704Phe)

Gene: POMT1 (protein O-mannosyltransferase 1; plus strand). Cytogenetic location: 9q34.13.
Variant type: single nucleotide variant.
Coding change: c.2110C>T on transcript NM_001077365.2 (MANE Select); coding-DNA position 2110, C replaced by T.
Protein change: p.Leu704Phe; replaces leucine 704 with phenylalanine.
Molecular consequence: missense variant. On other transcripts: non-coding transcript variant (10).
Genome position (GRCh38, 1-based): chr9:131,523,038, C>T. VCF-style: chr9-131523038-C-T. GRCh37 (hg19) VCF-style: chr9-134398425-C-T.
Other names: c.1948C>T, p.Leu650Phe (NM_001077366.2, NM_001353194.2); c.2110C>T, p.Leu704Phe (NM_001136113.2); c.1759C>T, p.Leu587Phe (NM_001136114.2, NM_001353195.2, NM_001374691.1 and 2 more transcripts); c.2176C>T, p.Leu726Phe (NM_001353193.2, NM_007171.4); c.2020C>T, p.Leu674Phe (NM_001353196.2); c.2014C>T, p.Leu672Phe (NM_001353197.2, NM_001353198.2); c.1825C>T, p.Leu609Phe (NM_001353199.2); c.1654C>T, p.Leu552Phe (NM_001353200.2); and 3 more; short protein forms L552F, L672F, L674F, L700F, L631F, L574F, L726F, L587F.
Identifiers: ClinVar variation 1372872 (VCV001372872.3), dbSNP rs2131946967, ClinGen allele CA375315280.

ClinVar aggregate classification (germline): Uncertain significance (1 of 4 stars; one submission).

Conditions:
Walker-Warburg congenital muscular dystrophy. Also called: Muscular dystrophy-dystroglycanopathy, type A; Walker-Warburg syndrome. Identifiers: Orphanet 899, MedGen C0265221, MONDO:0000171.
Autosomal recessive limb-girdle muscular dystrophy type 2K. Also called: MUSCULAR DYSTROPHY, LIMB-GIRDLE, TYPE 2K; MUSCULAR DYSTROPHY-DYSTROGLYCANOPATHY (LIMB-GIRDLE), TYPE C, 1. Identifiers: Orphanet 86812, MedGen C1836373, MONDO:0012248, OMIM 609308.
Muscular dystrophy-dystroglycanopathy (congenital with impaired intellectual development), type B, 1. Also called: MUSCULAR DYSTROPHY, CONGENITAL, POMT1-RELATED; Muscular dystrophy-dystroglycanopathy (congenital with intellectual disability), type B1. Identifiers: MedGen C5436962, MONDO:0013159, OMIM 613155.

Allele frequency attached by ClinVar (database versions not stated): gnomAD 0.00001.

Submission:

Labcorp Genetics (formerly Invitae), Labcorp
Classification: Uncertain significance for Muscular dystrophy-dystroglycanopathy (congenital with impaired intellectual development), type B, 1; Walker-Warburg congenital muscular dystrophy; Autosomal recessive limb-girdle muscular dystrophy type 2K. Last evaluated: 2022-08-09. Review status: criteria provided, single submitter. Criteria: Invitae Variant Classification Sherloc (09022015). Collection method: clinical testing. Allele origin: germline.
Comment: This sequence change replaces leucine, which is neutral and non-polar, with phenylalanine, which is neutral and non-polar, at codon 726 of the POMT1 protein (p.Leu726Phe). This variant is not present in population databases (gnomAD no frequency). This variant has not been reported in the literature in individuals affected with POMT1-related conditions. ClinVar contains an entry for this variant (Variation ID: 1372872). Algorithms developed to predict the effect of missense changes on protein structure and function are either unavailable or do not agree on the potential impact of this missense change (SIFT: "Deleterious"; PolyPhen-2: "Probably Damaging"; Align-GVGD: "Class C0"). In summary, the available evidence is currently insufficient to determine the role of this variant in disease. Therefore, it has been classified as a Variant of Uncertain Significance.